The following is an entry in ClinVar:

NM_000443.4(ABCB4):c.1143A>G (p.Ser381=)

Gene: ABCB4 (ATP binding cassette subfamily B member 4; minus strand). Cytogenetic location: 7q21.12.
Variant type: single nucleotide variant.
Coding change: c.1143A>G on transcript NM_000443.4 (MANE Select); coding-DNA position 1143, A replaced by G.
Protein change: p.Ser381=; no amino-acid change (serine 381 retained).
Molecular consequence: synonymous variant.
Genome position (GRCh38, 1-based): chr7:87,443,750, T>C on the plus strand (A>G on the coding strand, the complement: ABCB4 is on the minus strand). VCF-style: chr7-87443750-T-C. GRCh37 (hg19) VCF-style: chr7-87073066-T-C.
Other names: c.1143A>G, p.Ser381= (NM_018849.3, NM_018850.3).
Identifiers: ClinVar variation 386067 (VCV000386067.4), dbSNP rs142671969, ClinGen allele CA4327372.

ClinVar aggregate classification (germline): Likely benign. Review status: criteria provided, multiple submitters, no conflicts (2 of 4 stars). 2 submissions from 2 submitters: Likely benign (2). Last evaluated 2023-11-18.

Allele frequency attached by ClinVar (database versions not stated): ExAC 0.00001; gnomAD exomes 0.00002; gnomAD 0.00003; TOPMed 0.00003; ESP Exome Variant Server 0.00008.
gnomAD v4.1: 125 of 1,613,532 alleles (0.0077%); highest among the groups gnomAD compares: Non-Finnish European, 0.01%; no homozygotes.

Submissions (2):

Labcorp Genetics (formerly Invitae), Labcorp
Classification: Likely benign. Last evaluated: 2023-11-18. Review status: criteria provided, single submitter. Criteria: Invitae Variant Classification Sherloc (09022015). Collection method: clinical testing. Allele origin: germline.

GeneDx
Classification: Likely benign. Last evaluated: 2016-05-17. Review status: criteria provided, single submitter. Criteria: GeneDx Variant Classification (06012015). Collection method: clinical testing. Allele origin: germline. Affected: yes.
Comment: This variant is considered likely benign or benign based on one or more of the following criteria: it is a conservative change, it occurs at a poorly conserved position in the protein, it is predicted to be benign by multiple in silico algorithms, and/or has population frequency not consistent with disease.